The following is an entry in ClinVar:

ClinVar aggregate classification (germline): Pathogenic. Review status: criteria provided, multiple submitters, no conflicts (2 of 4 stars). 11 submissions from 10 submitters: Pathogenic (9). 2 of the submissions do not count toward it. Last evaluated 2025-01-13.

Conditions:
Hypotonia, infantile, with psychomotor retardation and characteristic facies 3 (IHPRF3). Also called: TBCK-Related Neurodevelopmental Disorder. Identifiers: Orphanet 488632, MedGen C5567480, MONDO:0014823, OMIM 616900.
Abnormality of the nervous system. Also called: Congenital nervous system disorder. Identifiers: MedGen C0497552, MONDO:0002320, HP:0000707.
Dysmorphism. Identifiers: MedGen C1737329.
Ventral septal defect. Identifiers: MedGen C3278382.
Delayed reflexes.
Hypotonia. Also called: Muscular hypotonia; poor muscle tone. Identifiers: MedGen C0026827, HP:0001252.
Seizure. Also called: Seizures. Identifiers: MedGen C0036572, HP:0001250.
Global developmental delay (DD). Also called: Cognitive delay. Identifiers: MedGen C0557874, HP:0001263. Disease mechanism: loss of function.

Allele frequency attached by ClinVar (database versions not stated): TOPMed 0.00001; gnomAD 0.00002.
gnomAD v4.1: 17 of 1,590,260 alleles (0.0011%); highest among the groups gnomAD compares: Admixed American, 0.0073%; no homozygotes.

Submissions (12):

Broad Center for Mendelian Genomics, Broad Institute of MIT and Harvard
Classification: Pathogenic for Hypotonia, infantile, with psychomotor retardation and characteristic facies 3. Last evaluated: 2025-01-13. Review status: criteria provided, single submitter. Criteria: ACMG Guidelines, 2015. Collection method: curation. Allele origin: germline. Inheritance: Autosomal recessive inheritance.
Comment: The c.1897+1G>A variant in TBCK has been reported in at least two individuals with TBCK-related intellectual disability syndrome (PMID: 25558065, 31130284, 36317458), segregated with disease in 1 affected relative from 1 family, and has been identified in 0.007% (4/54728) of Admixed American chromosomes by the Genome Aggregation Database (gnomAD; dbSNP ID: rs374319146). Although this variant has been seen in the general population in a heterozygous state, its frequency is low enough to be consistent with a recessive carrier frequency. This variant has also been reported in ClinVar (Variation ID: 183338) and has been interpreted as pathogenic by multiple labs. Of the affected individuals, 1 of those was a homozygote, which increases the likelihood that the c.1897+1G>A variant is pathogenic (PMID: 25558065). In vitro functional studies provide some evidence that the c.1897+1G>A variant may impact protein function (PMID: 27040691). However, these types of assays may not accurately represent biological function. This variant is located in the 3' splice region. Computational tools predict a splicing impact, though this information is not predictive enough to determine pathogenicity. Loss of function of the TBCK gene is an established disease mechanism in autosomal recessive TBCK-related intellectual disability syndrome. In summary, this variant meets criteria to be classified as pathogenic for autosomal recessive TBCK-related intellectual disability syndrome. ACMG/AMP Criteria applied: PVS1, PM3_supporting, PS3_moderate, PM2_supporting (Richards 2015).

Genomic Medicine Center of Excellence, King Faisal Specialist Hospital and Research Centre
Classification: Pathogenic for Hypotonia, infantile, with psychomotor retardation and characteristic facies 3. Last evaluated: 2024-03-17. Review status: criteria provided, single submitter. Criteria: ACMG Guidelines, 2015. Collection method: research. Allele origin: germline.

GeneDx
Classification: Pathogenic. Last evaluated: 2024-02-08. Review status: criteria provided, single submitter. Criteria: GeneDx Variant Classification Process June 2021. Collection method: clinical testing. Allele origin: germline. Affected: yes.
Comment: In silico analysis supports a deleterious effect on splicing; Canonical splice site variant predicted to result in a null allele in a gene for which loss of function is a known mechanism of disease; This variant is associated with the following publications: (PMID: 27040691, 25558065, 33240423, 35363364, 36317458, 31130284, 32552793, Alotaibi2022 [article])

Labcorp Genetics (formerly Invitae), Labcorp
Classification: Pathogenic. Last evaluated: 2024-01-25. Review status: criteria provided, single submitter. Criteria: Invitae Variant Classification Sherloc (09022015). Collection method: clinical testing. Allele origin: germline.
Comment: This sequence change affects a donor splice site in intron 21 of the TBCK gene. It is expected to disrupt RNA splicing. Variants that disrupt the donor or acceptor splice site typically lead to a loss of protein function (PMID: 16199547), and loss-of-function variants in TBCK are known to be pathogenic (PMID: 27040692, 30103036). The frequency data for this variant in the population databases is considered unreliable, as metrics indicate poor data quality at this position in the gnomAD database. Disruption of this splice site has been observed in individual(s) with TBCK-related conditions (PMID: 25558065). This variant is also known as c.1708+1G>A. ClinVar contains an entry for this variant (Variation ID: 183338). Studies have shown that disruption of this splice site alters TBCK gene expression (PMID: 27040691). Algorithms developed to predict the effect of sequence changes on RNA splicing suggest that this variant may disrupt the consensus splice site. For these reasons, this variant has been classified as Pathogenic.

3billion
Classification: Pathogenic for Hypotonia, infantile, with psychomotor retardation and characteristic facies 3. Last evaluated: 2022-05-22. Review status: criteria provided, single submitter. Criteria: ACMG Guidelines, 2015. Collection method: clinical testing. Allele origin: germline. Affected: yes. Observed: 1 homozygote.
Comment: The variant is observed at an extremely low frequency in the gnomAD v2.1.1 dataset (total allele frequency: 0.001%). Canonical splice site: predicted to alter splicing and result in a loss or disruption of normal protein function. Multiple pathogenic loss-of-function variants are reported downstream of the variant. The variant has been reported at least twice as pathogenic with clinical assertions and evidence for the classification (ClinVar ID: VCV000183338). Therefore, this variant is classified as pathogenic according to the recommendation of ACMG/AMP guideline.

Kariminejad - Najmabadi Pathology & Genetics Center
Classification: Pathogenic for Abnormality of the nervous system. Last evaluated: 2021-07-10. Review status: criteria provided, single submitter. Criteria: ACMG Guidelines, 2015. Collection method: clinical testing. Allele origin: germline. Affected: yes.

Revvity Omics, Revvity
Classification: Pathogenic for Hypotonia, infantile, with psychomotor retardation and characteristic facies 3. Last evaluated: 2021-02-07. Review status: criteria provided, single submitter. Criteria: ACMG Guidelines, 2015. Collection method: clinical testing. Allele origin: germline.

Baylor Genetics
Classification: Pathogenic for Hypotonia, infantile, with psychomotor retardation and characteristic facies 3. Last evaluated: 2019-12-19. Review status: criteria provided, single submitter. Criteria: ACMG Guidelines, 2015. Collection method: clinical testing. Allele origin: unknown. Affected: yes.
Comment: This variant was determined to be pathogenic according to ACMG Guidelines, 2015 [PMID:25741868].

Neuberg Centre For Genomic Medicine, NCGM
Classification: Pathogenic for Hypotonia, infantile, with psychomotor retardation and characteristic facies 3. Review status: criteria provided, single submitter. Criteria: ACMG Guidelines, 2015. Collection method: clinical testing. Allele origin: germline. Affected: yes.
Comment: The splice donor variant c.1897+1G>A in TBCK (NM_001163435.3) has been previously reported in affected patients (Bhoj E et al). The variant has been submitted to ClinVar as Pathogenic/Likely pathogenic. The c.1897+1G>A variant is observed in 2/29,354 (0.0068%) alleles from individuals of Latino background in gnomAD Exomes and is novel (not in any individuals) in 1000 Genomes. This variant affects an invariant splice nucleotide and is predicted to cause loss of function. Loss of function mutations have been reported to be disease causing. For these reasons, this variant has been classified as Pathogenic.

OMIM
Classification: Pathogenic for HYPOTONIA, INFANTILE, WITH PSYCHOMOTOR RETARDATION AND CHARACTERISTIC FACIES 3. Last evaluated: 2015-01-13. Review status: no assertion criteria provided. Collection method: literature only. Allele origin: germline. Not counted in ClinVar's aggregate classification.

Genomic Medicine Center of Excellence, King Faisal Specialist Hospital and Research Centre
Classification: Likely pathogenic for Global developmental delay; Epilepsy; Dysmorphism; Hypotonia; Delayed reflexes; Ventral septal defect. Last evaluated: 2014-12-01. Review status: no assertion criteria provided. Criteria: research. Collection method: research. Allele origin: germline. Affected: yes. Not counted in ClinVar's aggregate classification.

Dr. Peter K. Rogan Lab, Western University
No classification provided (evidence only). Condition: Colon adenocarcinoma. Review status: no classification provided. Collection method: in vitro. Allele origin: not applicable. Functional consequence: skipped exon. Not counted in ClinVar's aggregate classification.

Literature cited by the submitters: PubMed 27040691 (cited by 3 submitters); PubMed 16199547 (cited by Labcorp Genetics (formerly Invitae), Labcorp); PubMed 27040692 (cited by Labcorp Genetics (formerly Invitae), Labcorp); PubMed 30103036 (cited by Labcorp Genetics (formerly Invitae), Labcorp); PubMed 25558065 (cited by 3 submitters).

NM_001163435.3(TBCK):c.1897+1G>A

Gene: TBCK (TBC1 domain containing kinase; minus strand). Cytogenetic location: 4q24.
Variant type: single nucleotide variant.
Coding change: c.1897+1G>A on transcript NM_001163435.3 (MANE Select); the canonical splice donor site of the intron after coding-DNA position 1897, G replaced by A.
Molecular consequence: splice donor variant.
Genome position (GRCh38, 1-based): chr4:106,194,717, C>T on the plus strand (G>A on the coding strand, the complement: TBCK is on the minus strand). VCF-style: chr4-106194717-C-T. GRCh37 (hg19) VCF-style: chr4-107115874-C-T.
Other names: 1897+1G-A; c.[1897+1G>A] (NM_001163435.2); c.1897+1G>A (NM_001163436.4); c.1708+1G>A (NM_033115.5); c.1780+1G>A (NM_001163437.3); c.1381+1G>A (NM_001290768.2).
Identifiers: ClinVar variation 183338 (VCV000183338.38), dbSNP rs374319146, ClinGen allele CA249959.